The following is an entry in ClinVar:

NM_001134363.3(RBM20):c.1275+34T>C

Gene: RBM20 (RNA binding motif protein 20; plus strand). Cytogenetic location: 10q25.2.
Variant type: single nucleotide variant.
Coding change: c.1275+34T>C on transcript NM_001134363.3 (MANE Select); 34 bases into the intron after coding-DNA position 1275, T replaced by C.
Molecular consequence: intron variant.
Genome position (GRCh38, 1-based): chr10:110,781,918, T>C. VCF-style: chr10-110781918-T-C. GRCh37 (hg19) VCF-style: chr10-112541676-T-C.
Other names: c.1275+34T>C (NM_001134363.2).
Identifiers: ClinVar variation 671180 (VCV000671180.5), dbSNP rs61862866, ClinGen allele CA5688572.
Genomic context (GRCh38, chr10:110,781,918, plus strand): 5'-TGTGACAAGAAGGTGTTTGATTTGAAGGTGAGTTGTCCAAGACAGGCTGGGAGCCACAGC[T>C]AGAAGCCTGGGCAGGCCTTTCCCCATGACCCAACTCACGCTGCCAATGGGCAAGGAACTG-3'

ClinVar aggregate classification (germline): Benign. Review status: criteria provided, multiple submitters, no conflicts (2 of 4 stars). 4 submissions from 4 submitters: Benign (4). Last evaluated 2026-09-21.

Conditions:
Dilated cardiomyopathy 1DD (CMD1DD). Identifiers: Orphanet 154, MedGen C2750995, MONDO:0013168, OMIM 613172.

Allele frequency attached by ClinVar (database versions not stated): gnomAD 0.21361 and 0.21567; ExAC 0.23800; gnomAD exomes 0.28644 and 0.23405; 1000 Genomes Project 0.13299; 1000 Genomes Project 30x 0.13039; TOPMed 0.19793; ESP Exome Variant Server 0.21857.
gnomAD v4.1: 431,470 of 1,550,736 alleles (28%); highest among the groups gnomAD compares: Non-Finnish European, 31%; 64,477 homozygotes.

Submissions (4):

Molecular Diagnostic Laboratory for Inherited Cardiovascular Disease, Montreal Heart Institute
Classification: Benign. Last evaluated: 2026-09-21. Review status: criteria provided, single submitter. Criteria: ACMG Guidelines, 2015. Collection method: clinical testing. Allele origin: germline. Affected: no.
Comment: BA1

Genome-Nilou Lab
Classification: Benign for Dilated cardiomyopathy 1DD. Last evaluated: 2021-11-07. Review status: criteria provided, single submitter. Criteria: ACMG Guidelines, 2015. Collection method: clinical testing. Allele origin: germline. Affected: no.

GeneDx
Classification: Benign. Last evaluated: 2018-06-15. Review status: criteria provided, single submitter. Criteria: GeneDx Variant Classification (06012015). Collection method: clinical testing. Allele origin: germline. Affected: yes.
Comment: This variant is considered likely benign or benign based on one or more of the following criteria: it is a conservative change, it occurs at a poorly conserved position in the protein, it is predicted to be benign by multiple in silico algorithms, and/or has population frequency not consistent with disease.

Breakthrough Genomics
Classification: Benign. Review status: criteria provided, single submitter. Criteria: ACMG Guidelines, 2015. Collection method: not provided. Allele origin: germline. Inheritance: Autosomal dominant inheritance. Affected: yes.